The following is an entry in ClinVar:

ClinVar aggregate classification (germline): Uncertain significance. Review status: criteria provided, multiple submitters, no conflicts (2 of 4 stars). 2 submissions from 2 submitters: Uncertain significance (2). Last evaluated 2025-03-22.

Conditions:
Atrial fibrillation, familial, 18 (ATFB18). Identifiers: MedGen C4310636, MONDO:0015001, OMIM 617280.

gnomAD v4.1: 3 of 1,614,176 alleles (0.00019%); highest among the groups gnomAD compares: Non-Finnish European, 0.00025%; no homozygotes.

Submissions (2):

Ambry Genetics
Classification: Uncertain significance. Last evaluated: 2025-03-22. Review status: criteria provided, single submitter. Criteria: Ambry Variant Classification Scheme 2023. Collection method: clinical testing. Allele origin: germline.

Labcorp Genetics (formerly Invitae), Labcorp
Classification: Uncertain significance for Atrial fibrillation, familial, 18. Last evaluated: 2022-12-27. Review status: criteria provided, single submitter. Criteria: Invitae Variant Classification Sherloc (09022015). Collection method: clinical testing. Allele origin: germline.
Comment: In summary, the available evidence is currently insufficient to determine the role of this variant in disease. Therefore, it has been classified as a Variant of Uncertain Significance. Algorithms developed to predict the effect of missense changes on protein structure and function are either unavailable or do not agree on the potential impact of this missense change (SIFT: "Tolerated"; PolyPhen-2: "Not Available"; Align-GVGD: "Class C0"). This variant has not been reported in the literature in individuals affected with MYL4-related conditions. This variant is not present in population databases (gnomAD no frequency). This sequence change replaces lysine, which is basic and polar, with asparagine, which is neutral and polar, at codon 10 of the MYL4 protein (p.Lys10Asn).

NM_002476.2(MYL4):c.30G>C (p.Lys10Asn)

Gene: MYL4 (myosin light chain 4; plus strand). Cytogenetic location: 17q21.32.
Variant type: single nucleotide variant.
Coding change: c.30G>C on transcript NM_002476.2 (MANE Select); coding-DNA position 30, G replaced by C.
Protein change: p.Lys10Asn; replaces lysine 10 with asparagine.
Molecular consequence: missense variant.
Genome position (GRCh38, 1-based): chr17:47,209,452, G>C. VCF-style: chr17-47209452-G-C. GRCh37 (hg19) VCF-style: chr17-45286818-G-C.
Other names: c.30G>C, p.Lys10Asn (NM_001002841.2); c.30G>C (NM_001002841.1); short protein forms K10N.
Identifiers: ClinVar variation 3019370 (VCV003019370.4), dbSNP rs140092425, ClinGen allele CA400030865.